The following is an entry in ClinVar:

ClinVar aggregate classification (germline): Uncertain significance. Review status: criteria provided, multiple submitters, no conflicts (2 of 4 stars). 2 submissions from 2 submitters: Uncertain significance (2). Last evaluated 2025-05-18.

Conditions:
Hereditary cancer-predisposing syndrome. Also called: Neoplastic Syndromes, Hereditary; Tumor predisposition; Hereditary neoplastic syndrome; Hereditary Cancer Syndrome. Identifiers: Orphanet 140162, MedGen C0027672, MeSH D009386, MONDO:0015356.
Renal cell carcinoma. Identifiers: Orphanet 217071, MedGen C0007134, MeSH D002292, MONDO:0005086, HP:0005584.

Submissions (2):

Ambry Genetics
Classification: Uncertain significance for Hereditary cancer-predisposing syndrome. Last evaluated: 2025-05-18. Review status: criteria provided, single submitter. Criteria: Ambry Variant Classification Scheme 2023. Collection method: clinical testing. Allele origin: germline.
Comment: The p.V81G variant (also known as c.242T>G), located in coding exon 1 of the MET gene, results from a T to G substitution at nucleotide position 242. The valine at codon 81 is replaced by glycine, an amino acid with dissimilar properties. This amino acid position is conserved. In addition, this alteration is predicted to be tolerated by in silico analysis. Based on the available evidence, the clinical significance of this variant remains unclear.

Labcorp Genetics (formerly Invitae), Labcorp
Classification: Uncertain significance for Renal cell carcinoma. Last evaluated: 2023-08-14. Review status: criteria provided, single submitter. Criteria: Invitae Variant Classification Sherloc (09022015). Collection method: clinical testing. Allele origin: germline.
Comment: This sequence change replaces valine, which is neutral and non-polar, with glycine, which is neutral and non-polar, at codon 81 of the MET protein (p.Val81Gly). This variant is not present in population databases (gnomAD no frequency). This variant has not been reported in the literature in individuals affected with MET-related conditions. Advanced modeling of protein sequence and biophysical properties (such as structural, functional, and spatial information, amino acid conservation, physicochemical variation, residue mobility, and thermodynamic stability) performed at Invitae indicates that this missense variant is not expected to disrupt MET protein function. In summary, the available evidence is currently insufficient to determine the role of this variant in disease. Therefore, it has been classified as a Variant of Uncertain Significance.

NM_000245.4(MET):c.242T>G (p.Val81Gly)

Gene: MET (MET proto-oncogene, receptor tyrosine kinase; plus strand). Cytogenetic location: 7q31.2.
Variant type: single nucleotide variant.
Coding change: c.242T>G on transcript NM_000245.4 (MANE Select); coding-DNA position 242, T replaced by G.
Protein change: p.Val81Gly; replaces valine 81 with glycine.
Molecular consequence: missense variant. On other transcripts: intron variant (1).
Genome position (GRCh38, 1-based): chr7:116,699,326, T>G. VCF-style: chr7-116699326-T-G. GRCh37 (hg19) VCF-style: chr7-116339380-T-G.
Other names: c.242T>G, p.Val81Gly (NM_001127500.3, NM_001324401.3); c.-91+26749T>G (NM_001324402.2); short protein forms V81G.
Identifiers: ClinVar variation 2720033 (VCV002720033.4), dbSNP rs777473183, ClinGen allele CA368968646.
Genomic context (GRCh38, chr7:116,699,326, plus strand): 5'-ACATTTTCCTTGGTGCCACTAACTACATTTATGTTTTAAATGAGGAAGACCTTCAGAAGG[T>G]TGCTGAGTACAAGACTGGGCCTGTGCTGGAACACCCAGATTGTTTCCCATGTCAGGACTG-3'
Protein context (NP_000236.2, residues 71-91): YVLNEEDLQK[Val81Gly]AEYKTGPVLE